The following is an entry in ClinVar:

NM_013382.7(POMT2):c.125C>T (p.Pro42Leu)

Gene: POMT2 (protein O-mannosyltransferase 2; minus strand). Cytogenetic location: 14q24.3.
Variant type: single nucleotide variant.
Coding change: c.125C>T on transcript NM_013382.7 (MANE Select); coding-DNA position 125, C replaced by T.
Protein change: p.Pro42Leu; replaces proline 42 with leucine.
Molecular consequence: missense variant.
Genome position (GRCh38, 1-based): chr14:77,320,557, G>A on the plus strand (C>T on the coding strand, the complement: POMT2 is on the minus strand). VCF-style: chr14-77320557-G-A. GRCh37 (hg19) VCF-style: chr14-77786900-G-A.
Other names: short protein forms P42L.
Identifiers: ClinVar variation 1470903 (VCV001470903.6), dbSNP rs912884835, ClinGen allele CA390504659.

ClinVar aggregate classification (germline): Uncertain significance (1 of 4 stars; one submission).

Conditions:
Muscular dystrophy-dystroglycanopathy (congenital with impaired intellectual development), type B, 2. Also called: Muscular dystrophy-dystroglycanopathy (congenital with intellectual disability), type B2; MUSCULAR DYSTROPHY, CONGENITAL, POMT2-RELATED. Identifiers: MedGen C3150416, MONDO:0013160, OMIM 613156.
Autosomal recessive limb-girdle muscular dystrophy type 2N. Also called: MUSCULAR DYSTROPHY-DYSTROGLYCANOPATHY, LIMB-GIRDLE, POMT2-RELATED; Muscular dystrophy-dystroglycanopathy (limb-girdle), type C, 2. Identifiers: Orphanet 206559, MedGen C3150418, MONDO:0013162, OMIM 613158.
Muscular dystrophy-dystroglycanopathy (congenital with brain and eye anomalies), type A2. Also called: MUSCULAR DYSTROPHY-DYSTROGLYCANOPATHY (CONGENITAL WITH BRAIN AND EYE ANOMALIES), TYPE A, 2; WALKER-WARBURG SYNDROME OR MUSCLE-EYE-BRAIN DISEASE, POMT2-RELATED. Identifiers: Orphanet 588, Orphanet 899, MedGen C3150411, MONDO:0013154, OMIM 613150.

Allele frequency attached by ClinVar (database versions not stated): gnomAD exomes below 0.00001 and 0.00001.

Submission:

Labcorp Genetics (formerly Invitae), Labcorp
Classification: Uncertain significance for Muscular dystrophy-dystroglycanopathy (congenital with impaired intellectual development), type B, 2; Muscular dystrophy-dystroglycanopathy (congenital with brain and eye anomalies), type A2; Autosomal recessive limb-girdle muscular dystrophy type 2N. Last evaluated: 2022-06-27. Review status: criteria provided, single submitter. Criteria: Invitae Variant Classification Sherloc (09022015). Collection method: clinical testing. Allele origin: germline.
Comment: This variant has not been reported in the literature in individuals affected with POMT2-related conditions. This sequence change replaces proline, which is neutral and non-polar, with leucine, which is neutral and non-polar, at codon 42 of the POMT2 protein (p.Pro42Leu). The frequency data for this variant in the population databases is considered unreliable, as metrics indicate poor data quality at this position in the gnomAD database. Algorithms developed to predict the effect of missense changes on protein structure and function output the following: SIFT: "Tolerated"; PolyPhen-2: "Benign"; Align-GVGD: "Class C0". The leucine amino acid residue is found in multiple mammalian species, which suggests that this missense change does not adversely affect protein function. In summary, the available evidence is currently insufficient to determine the role of this variant in disease. Therefore, it has been classified as a Variant of Uncertain Significance.